The following is an entry in ClinVar:

NM_002242.4(KCNJ13):c.484C>T (p.Arg162Trp)

Genes: GIGYF2 (GRB10 interacting GYF protein 2; plus strand), KCNJ13 (potassium inwardly rectifying channel subfamily J member 13; minus strand). Cytogenetic location: 2q37.1.
Variant type: single nucleotide variant.
Coding change: c.484C>T on transcript NM_002242.4 (MANE Select); coding-DNA position 484, C replaced by T.
Protein change: p.Arg162Trp; replaces arginine 162 with tryptophan.
Molecular consequence: missense variant. On other transcripts: intron variant (4).
Genome position (GRCh38, 1-based): chr2:232,768,790, G>A on the plus strand (C>T on the coding strand, the complement: KCNJ13 is on the minus strand). VCF-style: chr2-232768790-G-A. GRCh37 (hg19) VCF-style: chr2-233633500-G-A.
Other names: c.248C>T, p.Pro83Leu (NM_001172416.1); c.244C>T, p.Arg82Trp (NM_001172417.1); c.532+7354G>A (NM_001103146.3, NM_015575.4, NM_001103147.2 and 1 more transcripts); short protein forms R162W, P83L, R82W.
Identifiers: ClinVar variation 6585 (VCV000006585.10), dbSNP rs121918542, ClinGen allele CA118359.
Genomic context (GRCh38, chr2:232,768,790, plus strand): 5'-CCATGTGAGCTACTACTGCTGTGTCAGTAAAGCGAATTGAAAAAGCTCGATTTTTTGGCC[G>A]GGCAATCTTCGCCACAAAAGCACCTAAATAAGAAATTATTGATTTTTTTTTAGAATGAAG-3'
Protein context (NP_002233.2, residues 152-172): ITGAFVAKIA[Arg162Trp]PKNRAFSIRF

ClinVar aggregate classification (germline): Pathogenic/Likely pathogenic. Review status: criteria provided, multiple submitters, no conflicts (2 of 4 stars). 5 submissions from 5 submitters: Pathogenic (2); Likely pathogenic (2). 1 of the submissions does not count toward it. Last evaluated 2025-11-21.

Conditions:
KCNJ13-related disorders.
Snowflake vitreoretinal degeneration (SVD). Identifiers: Orphanet 91496, MedGen C1860405, MONDO:0008663, OMIM 193230, HP:0011533.

Allele frequency attached by ClinVar (database versions not stated): gnomAD exomes below 0.00001.
gnomAD v4.1: 1 of 1,602,284 alleles (0.000062%); highest among the groups gnomAD compares: Non-Finnish European, 0.000085%; no homozygotes.

Submissions (5):

Labcorp Genetics (formerly Invitae), Labcorp
Classification: Pathogenic. Last evaluated: 2025-11-21. Review status: criteria provided, single submitter. Criteria: Invitae Variant Classification Sherloc (09022015). Collection method: clinical testing. Allele origin: germline.
Comment: This sequence change replaces arginine, which is basic and polar, with tryptophan, which is neutral and slightly polar, at codon 162 of the KCNJ13 protein (p.Arg162Trp). This variant is present in population databases (rs121918542, gnomAD 0.006%). This missense change has been observed in individual(s) with autosomal dominant snowflake vitreoretinal degeneration (PMID: 18179896). It has also been observed to segregate with disease in related individuals. ClinVar contains an entry for this variant (Variation ID: 6585). Invitae Evidence Modeling of protein sequence and biophysical properties (such as structural, functional, and spatial information, amino acid conservation, physicochemical variation, residue mobility, and thermodynamic stability) indicates that this missense variant is expected to disrupt KCNJ13 protein function with a positive predictive value of 80%. Experimental studies have shown that this missense change affects KCNJ13 function (PMID: 18179896, 23255580, 23977131). For these reasons, this variant has been classified as Pathogenic.

Blueprint Genetics
Classification: Pathogenic for KCNJ13-related disorders. Last evaluated: 2024-09-04. Review status: criteria provided, single submitter. Criteria: ACMG Guidelines, 2015. Collection method: clinical testing. Allele origin: germline. Affected: yes. Observed: 5 variant alleles.

Molecular Genetics, Royal Melbourne Hospital
Classification: Likely pathogenic for Snowflake vitreoretinal degeneration. Last evaluated: 2022-05-05. Review status: criteria provided, single submitter. Criteria: ACMG Guidelines, 2015. Collection method: clinical testing. Allele origin: germline. Affected: yes.
Comment: This sequence change is predicted to replace arginine with tryptophan at codon 162 of the KCNJ13 protein, p.(Arg162Trp). The arginine residue is evolutionarily conserved in vertebrates (100 vertebrates, UCSC), and is located inward rectifier potassium channel transmembrane domain. There is a large physicochemical difference between arginine and tryptophan. The variant is present in a single individual in a large population cohort (rs121918542, 1/247,900 alleles in gnomAD v2.1). The variant is present in at least three individuals with snowflake vitreoretinal degeneration (SVD) or macular dystrophy, and segregates with SVD over four generations (PMID: 18179896, 15557460, 33546218; Royal Melbourne Hospital). Additionally, in vitro functional assays demonstrate that the variant suppresses the potassium channel activity with a dominant-negative effect (PMID: 18179896, 23255580). Multiple lines of computational evidence predict a deleterious effect for the missense substitution (6/6 algorithms). Based on the classification scheme RMH ACMG Guidelines v1.5.1, this variant is classified as LIKELY PATHOGENIC. Following criteria are met: PP1_Strong, PS3_Supporting, PS4_Supporting, PM2_Supporting, PP3.

Institute of Medical Molecular Genetics, University of Zurich
Classification: Likely pathogenic for Snowflake vitreoretinal degeneration. Last evaluated: 2021-01-30. Review status: criteria provided, single submitter. Criteria: ACMG Guidelines, 2015. Collection method: clinical testing. Allele origin: germline. Affected: yes.

OMIM
Classification: Pathogenic for SNOWFLAKE VITREORETINAL DEGENERATION. Last evaluated: 2013-03-01. Review status: no assertion criteria provided. Collection method: literature only. Allele origin: germline. Not counted in ClinVar's aggregate classification.

Literature cited by the submitters: PubMed 18179896 (cited by 3 submitters); PubMed 23255580 (cited by 3 submitters); PubMed 23977131 (cited by Labcorp Genetics (formerly Invitae), Labcorp); PubMed 15557460 (cited by Molecular Genetics, Royal Melbourne Hospital); PubMed 33546218 (cited by Molecular Genetics, Royal Melbourne Hospital).